The following is an entry in ClinVar:

NM_001365088.1(SLC12A6):c.1A>G (p.Met1Val)

Gene: SLC12A6 (solute carrier family 12 member 6; minus strand). Cytogenetic location: 15q14.
Variant type: single nucleotide variant.
Coding change: c.1A>G on transcript NM_001365088.1 (MANE Select); coding-DNA position 1, A replaced by G.
Protein change: p.Met1Val; changes the start codon (methionine 1).
Molecular consequence: missense variant, initiator codon variant. On other transcripts: intron variant (3).
Genome position (GRCh38, 1-based): chr15:34,336,680, T>C on the plus strand (A>G on the coding strand, the complement: SLC12A6 is on the minus strand). VCF-style: chr15-34336680-T-C. GRCh37 (hg19) VCF-style: chr15-34628881-T-C.
Other names: c.1A>G, p.Met1Val (NM_001042497.2, NM_133647.2); c.-98-79A>G (NM_001042495.2, NM_001042494.2); c.-14-13A>G (NM_001042496.2); short protein forms M1V.
Identifiers: ClinVar variation 1192189 (VCV001192189.7), dbSNP rs1295560007, ClinGen allele CA391621909.

ClinVar aggregate classification (germline): Uncertain significance. Review status: criteria provided, multiple submitters, no conflicts (2 of 4 stars). 2 submissions from 2 submitters: Uncertain significance (2). Last evaluated 2022-03-05.

Allele frequency attached by ClinVar (database versions not stated): gnomAD exomes below 0.00001; TOPMed below 0.00001.

Submissions (2):

Labcorp Genetics (formerly Invitae), Labcorp
Classification: Uncertain significance. Last evaluated: 2022-03-05. Review status: criteria provided, single submitter. Criteria: Invitae Variant Classification Sherloc (09022015). Collection method: clinical testing. Allele origin: germline.
Comment: In summary, the available evidence is currently insufficient to determine the role of this variant in disease. Therefore, it has been classified as a Variant of Uncertain Significance. Experimental studies and prediction algorithms are not available or were not evaluated, and the functional significance of this variant is currently unknown. ClinVar contains an entry for this variant (Variation ID: 1192189). This variant has not been reported in the literature in individuals affected with SLC12A6-related conditions. This variant is not present in population databases (gnomAD no frequency). This sequence change affects the initiator methionine of the SLC12A6 mRNA. The next in-frame methionine is located at codon 10.

Women's Health and Genetics/Laboratory Corporation of America, LabCorp
Classification: Uncertain significance. Last evaluated: 2021-07-20. Review status: criteria provided, single submitter. Criteria: LabCorp Variant Classification Summary - May 2015. Collection method: clinical testing. Allele origin: germline.
Comment: Variant summary: SLC12A6 c.1A>G (p.Met1Val) alters the initiation codon and is predicted to result either in absence of the protein or truncation of the encoded protein due to translation initiation at a downstream codon. The next downstream putative in-frame start codon (Methionine) is located at p.Met10 in exon 1 of the SLC12A6 gene. However, without further functional evidence, its clinical consequence is not clear. Two of three in-silico tools predict a benign effect of the variant on protein function. The variant was absent in 249344 control chromosomes (gnomAD). The available data on variant occurrences in the general population are insufficient to allow any conclusion about variant significance. To our knowledge, no occurrence of c.1A>G in individuals affected with Andermann Syndrome and no experimental evidence demonstrating its impact on protein function have been reported. No clinical diagnostic laboratories have submitted clinical-significance assessments for this variant to ClinVar after 2014. Based on the evidence outlined above, the variant was classified as VUS-possibly pathogenic until additional clinical reports supported by functional studies are identified.